The following is an entry in ClinVar:

NM_031418.4(ANO3):c.2840G>A (p.Arg947Gln)

Gene: ANO3 (anoctamin 3; plus strand). Cytogenetic location: 11p14.2.
Variant type: single nucleotide variant.
Coding change: c.2840G>A on transcript NM_031418.4 (MANE Select); coding-DNA position 2840, G replaced by A.
Protein change: p.Arg947Gln; replaces arginine 947 with glutamine.
Molecular consequence: missense variant.
Genome position (GRCh38, 1-based): chr11:26,660,338, G>A. VCF-style: chr11-26660338-G-A. GRCh37 (hg19) VCF-style: chr11-26681885-G-A.
Other names: c.3023G>A, p.Arg1008Gln (NM_001313726.2); c.2402G>A, p.Arg801Gln (NM_001313727.2); short protein forms R947Q, R1008Q, R801Q.
Identifiers: ClinVar variation 2110704 (VCV002110704.4), dbSNP rs1461594466, ClinGen allele CA379941570.

ClinVar aggregate classification (germline): Uncertain significance (1 of 4 stars; one submission).

Conditions:
Dystonic disorder. Also called: Dystonia. Identifiers: MedGen C0013421, MONDO:0003441, HP:0001332.

Allele frequency attached by ClinVar (database versions not stated): TOPMed 0.00002; gnomAD 0.00001; gnomAD exomes 0.00001.
gnomAD v4.1: 21 of 1,613,386 alleles (0.0013%); highest among the groups gnomAD compares: African/African-American, 0.0027%; no homozygotes.

Submission:

Labcorp Genetics (formerly Invitae), Labcorp
Classification: Uncertain significance for Dystonic disorder. Last evaluated: 2022-06-17. Review status: criteria provided, single submitter. Criteria: Invitae Variant Classification Sherloc (09022015). Collection method: clinical testing. Allele origin: germline.
Comment: The frequency data for this variant in the population databases is considered unreliable, as metrics indicate poor data quality at this position in the gnomAD database. This sequence change replaces arginine, which is basic and polar, with glutamine, which is neutral and polar, at codon 947 of the ANO3 protein (p.Arg947Gln). This variant has not been reported in the literature in individuals affected with ANO3-related conditions. In summary, the available evidence is currently insufficient to determine the role of this variant in disease. Therefore, it has been classified as a Variant of Uncertain Significance. Advanced modeling of protein sequence and biophysical properties (such as structural, functional, and spatial information, amino acid conservation, physicochemical variation, residue mobility, and thermodynamic stability) performed at Invitae indicates that this missense variant is not expected to disrupt ANO3 protein function.